The following is an entry in ClinVar:

NM_000399.5(EGR2):c.1414C>T (p.Arg472Trp)

Gene: EGR2 (early growth response 2; minus strand). Cytogenetic location: 10q21.3.
Variant type: single nucleotide variant.
Coding change: c.1414C>T on transcript NM_000399.5 (MANE Select); coding-DNA position 1414, C replaced by T.
Protein change: p.Arg472Trp; replaces arginine 472 with tryptophan.
Molecular consequence: missense variant.
Genome position (GRCh38, 1-based): chr10:62,813,224, G>A on the plus strand (C>T on the coding strand, the complement: EGR2 is on the minus strand). VCF-style: chr10-62813224-G-A. GRCh37 (hg19) VCF-style: chr10-64572984-G-A.
Other names: c.1414C>T, p.Arg472Trp (NM_001136177.3, NM_001136178.2); c.1264C>T, p.Arg422Trp (NM_001136179.3, NM_001321037.2); c.1453C>T, p.Arg485Trp (NM_001410931.1); short protein forms R422W, R472W, R485W.
Identifiers: ClinVar variation 4077288 (VCV004077288.1).

ClinVar aggregate classification (germline): Uncertain significance (1 of 4 stars; one submission).

gnomAD v4.1: 1 of 1,569,074 alleles (0.000064%); no homozygotes.

Submission:

GeneDx
Classification: Uncertain significance. Last evaluated: 2025-02-27. Review status: criteria provided, single submitter. Criteria: GeneDx Variant Classification Process June 2021. Collection method: clinical testing. Allele origin: germline. Affected: yes.
Comment: Not observed at significant frequency in large population cohorts (gnomAD); In silico analysis indicates that this missense variant does not alter protein structure/function; Has not been previously published as pathogenic or benign to our knowledge